The following is an entry in ClinVar:

ClinVar aggregate classification (germline): Uncertain significance. Review status: criteria provided, multiple submitters, no conflicts (2 of 4 stars). 2 submissions from 2 submitters: Uncertain significance (2). Last evaluated 2026-01-25.

Conditions:
Neurofibromatosis, type 1 (NF1). Also called: VON RECKLINGHAUSEN DISEASE; NEUROFIBROMATOSIS, TYPE I, SOMATIC; Peripheral type neurofibromatosis; Neurofibromatosis, type I. Identifiers: Orphanet 636, MedGen C0027831, MONDO:0018975, OMIM 162200. Disease mechanism: loss of function.
Hereditary cancer-predisposing syndrome. Also called: Neoplastic Syndromes, Hereditary; Hereditary Cancer Syndrome; Hereditary neoplastic syndrome; Tumor predisposition. Identifiers: Orphanet 140162, MedGen C0027672, MeSH D009386, MONDO:0015356.
Cardiovascular phenotype. Identifiers: MedGen CN230736.

Submissions (2):

Labcorp Genetics (formerly Invitae), Labcorp
Classification: Uncertain significance for Neurofibromatosis, type 1. Last evaluated: 2026-01-25. Review status: criteria provided, single submitter. Criteria: Invitae Variant Classification Sherloc (09022015). Collection method: clinical testing. Allele origin: germline.
Comment: This sequence change replaces tyrosine, which is neutral and polar, with histidine, which is basic and polar, at codon 2608 of the NF1 protein (p.Tyr2608His). This variant is not present in population databases (gnomAD no frequency). This variant has not been reported in the literature in individuals affected with NF1-related conditions. ClinVar contains an entry for this variant (Variation ID: 3714774). Invitae Evidence Modeling of protein sequence and biophysical properties (such as structural, functional, and spatial information, amino acid conservation, physicochemical variation, residue mobility, and thermodynamic stability) indicates that this missense variant is not expected to disrupt NF1 protein function with a negative predictive value of 95%. In summary, the available evidence is currently insufficient to determine the role of this variant in disease. Therefore, it has been classified as a Variant of Uncertain Significance.

Ambry Genetics
Classification: Uncertain significance for Cardiovascular phenotype; Hereditary cancer-predisposing syndrome. Last evaluated: 2025-06-10. Review status: criteria provided, single submitter. Criteria: Ambry Variant Classification Scheme 2023. Collection method: clinical testing. Allele origin: germline.
Comment: The p.Y2608H variant (also known as c.7822T>C), located in coding exon 53 of the NF1 gene, results from a T to C substitution at nucleotide position 7822. The tyrosine at codon 2608 is replaced by histidine, an amino acid with similar properties. This amino acid position is highly conserved in available vertebrate species. In addition, the in silico prediction for this alteration is inconclusive. Based on the available evidence, the clinical significance of this variant remains unclear.

NM_001042492.3(NF1):c.7885T>C (p.Tyr2629His)

Gene: NF1 (neurofibromin 1; plus strand). Cytogenetic location: 17q11.2.
Variant type: single nucleotide variant.
Coding change: c.7885T>C on transcript NM_001042492.3 (MANE Select); coding-DNA position 7885, T replaced by C.
Protein change: p.Tyr2629His; replaces tyrosine 2629 with histidine.
Molecular consequence: missense variant.
Genome position (GRCh38, 1-based): chr17:31,357,284, T>C. VCF-style: chr17-31357284-T-C. GRCh37 (hg19) VCF-style: chr17-29684302-T-C.
Other names: c.7822T>C, p.Tyr2608His (NM_000267.4); short protein forms Y2608H, Y2629H.
Identifiers: ClinVar variation 3714774 (VCV003714774.3).